The following is an entry in ClinVar:

NM_004006.3(DMD):c.3973A>C (p.Ile1325Leu)

Gene: DMD (dystrophin; minus strand). Cytogenetic location: Xp21.1.
Variant type: single nucleotide variant.
Coding change: c.3973A>C on transcript NM_004006.3 (MANE Select); coding-DNA position 3973, A replaced by C.
Protein change: p.Ile1325Leu; replaces isoleucine 1325 with leucine.
Molecular consequence: missense variant.
Genome position (GRCh38, 1-based): chrX:32,438,339, T>G on the plus strand (A>C on the coding strand, the complement: DMD is on the minus strand). VCF-style: chrX-32438339-T-G. GRCh37 (hg19) VCF-style: chrX-32456456-T-G.
Other names: c.3949A>C, p.Ile1317Leu (NM_000109.4); c.3961A>C, p.Ile1321Leu (NM_004009.3); c.3604A>C, p.Ile1202Leu (NM_004010.3); short protein forms I1202L, I1317L, I1321L, I1325L.
Identifiers: ClinVar variation 2040331 (VCV002040331.3), dbSNP rs2524073595, ClinGen allele CA412669412.
Genomic context (GRCh38, chrX:32,438,339, plus strand): 5'-CAAGTTCCTCATTGATTAGCTCATCCATGACTCCGCCATCTGTTAGGGTCTGTGCCAATA[T>G]GCGAATCTGATTTGGGTTATCCTCTGAATGTCGCATCAAATTTTCAAGTGACTGAAACAC-3'
Protein context (NP_003997.2, residues 1315-1335): HSEDNPNQIR[Ile1325Leu]LAQTLTDGGV

ClinVar aggregate classification (germline): Uncertain significance (1 of 4 stars; one submission).

Conditions:
Duchenne muscular dystrophy (DMD). Also called: MUSCULAR DYSTROPHY, PSEUDOHYPERTROPHIC PROGRESSIVE, DUCHENNE TYPE; Duchenne Muscular Dystrophy (DMD). Identifiers: Orphanet 98896, MedGen C0013264, MONDO:0010679, OMIM 310200.

Submission:

Labcorp Genetics (formerly Invitae), Labcorp
Classification: Uncertain significance for Duchenne muscular dystrophy. Last evaluated: 2026-01-26. Review status: criteria provided, single submitter. Criteria: Invitae Variant Classification Sherloc (09022015). Collection method: clinical testing. Allele origin: germline.
Comment: This sequence change replaces isoleucine, which is neutral and non-polar, with leucine, which is neutral and non-polar, at codon 1325 of the DMD protein (p.Ile1325Leu). This variant is not present in population databases (gnomAD no frequency). This variant has not been reported in the literature in individuals affected with DMD-related conditions. ClinVar contains an entry for this variant (Variation ID: 2040331). Invitae Evidence Modeling of protein sequence and biophysical properties (such as structural, functional, and spatial information, amino acid conservation, physicochemical variation, residue mobility, and thermodynamic stability) indicates that this missense variant is not expected to disrupt DMD protein function with a negative predictive value of 95%. In summary, the available evidence is currently insufficient to determine the role of this variant in disease. Therefore, it has been classified as a Variant of Uncertain Significance.